The following is an entry in ClinVar:

NM_002485.5(NBN):c.2143A>C (p.Lys715Gln)

Gene: NBN (nibrin; minus strand). Cytogenetic location: 8q21.3.
Variant type: single nucleotide variant.
Coding change: c.2143A>C on transcript NM_002485.5 (MANE Select); coding-DNA position 2143, A replaced by C.
Protein change: p.Lys715Gln; replaces lysine 715 with glutamine.
Molecular consequence: missense variant.
Genome position (GRCh38, 1-based): chr8:89,943,294, T>G on the plus strand (A>C on the coding strand, the complement: NBN is on the minus strand). VCF-style: chr8-89943294-T-G. GRCh37 (hg19) VCF-style: chr8-90955522-T-G.
Other names: c.1897A>C, p.Lys633Gln (NM_001024688.3); short protein forms K633Q, K715Q.
Identifiers: ClinVar variation 1391764 (VCV001391764.6), dbSNP rs2130755556, ClinGen allele CA371675459.
Genomic context (GRCh38, chr8:89,943,294, plus strand): 5'-GGCCTCACTTCCTACTAACCTCCATTTCCTGCCTTAGCCACTCTTCTAGTTCTGTATTCT[T>G]TCGAGCATGATGAGCTATTAGATCTGATCCTCCAATGATGTGTGGAAGTTTTCCTGCTCC-3'
Protein context (NP_002476.2, residues 705-725): GSDLIAHHAR[Lys715Gln]NTELEEWLRQ

ClinVar aggregate classification (germline): Uncertain significance (1 of 4 stars; one submission).

Conditions:
Microcephaly, normal intelligence and immunodeficiency (NBS). Also called: SEEMANOVA SYNDROME II; IMMUNODEFICIENCY, MICROCEPHALY, AND CHROMOSOMAL INSTABILITY; Immunodeficiency, microcephaly with normal intelligence; BERLIN BREAKAGE SYNDROME; Nijmegen breakage syndrome; Microcephaly with normal intelligence immunodeficiency and lymphoreticular malignancies. Identifiers: Orphanet 647, MedGen C0398791, MONDO:0009623, OMIM 251260.

Submission:

Labcorp Genetics (formerly Invitae), Labcorp
Classification: Uncertain significance for Microcephaly, normal intelligence and immunodeficiency. Last evaluated: 2021-11-06. Review status: criteria provided, single submitter. Criteria: Invitae Variant Classification Sherloc (09022015). Collection method: clinical testing. Allele origin: germline.
Comment: Algorithms developed to predict the effect of missense changes on protein structure and function are either unavailable or do not agree on the potential impact of this missense change (SIFT: "Tolerated"; PolyPhen-2: "Possibly Damaging"; Align-GVGD: "Class C0"). In summary, the available evidence is currently insufficient to determine the role of this variant in disease. Therefore, it has been classified as a Variant of Uncertain Significance. This variant has not been reported in the literature in individuals affected with NBN-related conditions. This variant is not present in population databases (gnomAD no frequency). This sequence change replaces lysine, which is basic and polar, with glutamine, which is neutral and polar, at codon 715 of the NBN protein (p.Lys715Gln).